The following is an entry in ClinVar:

NM_000257.4(MYH7):c.4741GAG[1] (p.Glu1582del)

Genes: MHRT (myosin heavy chain associated RNA transcript; plus strand), MYH7 (myosin heavy chain 7; minus strand), LOC126861897 (BRD4-independent group 4 enhancer GRCh37_chr14:23884455-23885654; plus strand). Cytogenetic location: 14q11.2.
Variant type: Microsatellite.
Coding change: c.4741GAG[1] on transcript NM_000257.4 (MANE Select); one copy of the 3-base unit GAG starting at c.4741; the reference has two copies in a row; one copy, 3 bases deleted.
Protein change: p.Glu1582del; deletes glutamic acid 1582.
Molecular consequence: inframe deletion. On other transcripts: non-coding transcript variant (1).
Genome position (GRCh38, 1-based): chr14:23,416,211-23,416,213, CTC deleted on the plus strand (GAG on the coding strand, the reverse complement: MYH7 is on the minus strand); deleting any 3 consecutive bases within chr14:23,416,211-23,416,216 gives the same sequence; the position shown is the placement nearest the transcript's 3' end. VCF-style (leftmost placement, unchanged base first): chr14-23416210-TCTC-T. GRCh37 (hg19) VCF-style: chr14-23885419-TCTC-T.
Other names: short protein forms E1582del.
Identifiers: ClinVar variation 454380 (VCV000454380.7), dbSNP rs1555336467, ClinGen allele CA658658244.

ClinVar aggregate classification (germline): Likely pathogenic (1 of 4 stars; one submission).

Conditions:
Hypertrophic cardiomyopathy. Also called: HYPERTROPHIC MYOCARDIOPATHY. Identifiers: Orphanet 217569, MedGen C0007194, MeSH D002312, MONDO:0005045, HP:0001639.

Submission:

Labcorp Genetics (formerly Invitae), Labcorp
Classification: Likely pathogenic for Hypertrophic cardiomyopathy. Last evaluated: 2022-11-22. Review status: criteria provided, single submitter. Criteria: Invitae Variant Classification Sherloc (09022015). Collection method: clinical testing. Allele origin: germline.
Comment: This variant, c.4744_4746del, results in the deletion of 1 amino acid(s) of the MYH7 protein (p.Glu1582del), but otherwise preserves the integrity of the reading frame. This variant is not present in population databases (gnomAD no frequency). In summary, the currently available evidence indicates that the variant is pathogenic, but additional data are needed to prove that conclusively. Therefore, this variant has been classified as Likely Pathogenic. Experimental studies and prediction algorithms are not available or were not evaluated, and the functional significance of this variant is currently unknown. ClinVar contains an entry for this variant (Variation ID: 454380). This variant has been observed in individual(s) with a clinical diagnosis of rigid spine muscular dystrophy (Invitae). In at least one individual the variant was observed to be de novo.